The following is an entry in ClinVar:

ClinVar aggregate classification (germline): Uncertain significance (1 of 4 stars; one submission).

Conditions:
POLR1C-related disorder. Also called: POLR1C-related condition; POLR1C-related disorders. Identifiers: MedGen CN239394, MONDO:0700278.

gnomAD v4.1: 15 of 1,612,808 alleles (0.00093%); highest among the groups gnomAD compares: African/African-American, 0.0053%; no homozygotes.

Submission:

PreventionGenetics, part of Exact Sciences
Classification: Uncertain significance for POLR1C-related condition. Last evaluated: 2025-12-01. Review status: criteria provided, single submitter. Criteria: ACMG Guidelines, 2015. Collection method: clinical testing. Allele origin: germline.
Comment: The POLR1C c.917A>G variant is predicted to result in the amino acid substitution p.Tyr306Cys. To our knowledge, this variant has not been reported in the literature. This variant is reported in 0.0040% of alleles in individuals of African descent in gnomAD. At this time, the clinical significance of this variant is uncertain due to the absence of conclusive functional and genetic evidence.

NM_203290.4(POLR1C):c.917A>G (p.Tyr306Cys)

Gene: POLR1C (RNA polymerase I and III subunit C; plus strand). Cytogenetic location: 6p21.1.
Variant type: single nucleotide variant.
Coding change: c.917A>G on transcript NM_203290.4 (MANE Select); coding-DNA position 917, A replaced by G.
Protein change: p.Tyr306Cys; replaces tyrosine 306 with cysteine.
Molecular consequence: missense variant.
Genome position (GRCh38, 1-based): chr6:43,521,043, A>G. VCF-style: chr6-43521043-A-G. GRCh37 (hg19) VCF-style: chr6-43488781-A-G.
Other names: c.917A>G, p.Tyr306Cys (NM_001318876.2, NM_001363658.2); short protein forms Y306C.
Identifiers: ClinVar variation 4979930 (VCV004979930.1).